The following is an entry in ClinVar:

ClinVar aggregate classification (germline): Uncertain significance. Review status: criteria provided, multiple submitters, no conflicts (2 of 4 stars). 7 submissions from 7 submitters: Uncertain significance (6). 1 of the submissions does not count toward it. Last evaluated 2026-06-04.

Conditions:
Cardiovascular phenotype. Identifiers: MedGen CN230736.
Sitosterolemia (STSL). Also called: PHYTOSTEROLEMIA. Identifiers: Orphanet 2882, MedGen C0342907, MONDO:0008863.
Sitosterolemia 1. Identifiers: MedGen C2749759, MONDO:0020747, OMIM 210250.
ABCG5-related disorder. Also called: ABCG5-related condition.

Allele frequency attached by ClinVar (database versions not stated): gnomAD 0.00001; gnomAD exomes 0.00007; ExAC 0.00016.
gnomAD v4.1: 38 of 1,582,316 alleles (0.0024%); highest among the groups gnomAD compares: South Asian, 0.041%; no homozygotes.

Submissions (7):

PreventionGenetics, part of Exact Sciences
Classification: Uncertain significance for ABCG5-related condition. Last evaluated: 2026-06-04. Review status: criteria provided, single submitter. Criteria: ACMG Guidelines, 2015. Collection method: clinical testing. Allele origin: germline.
Comment: The ABCG5 c.281C>G variant is predicted to result in the amino acid substitution p.Thr94Arg. This variant has been reported in the homozygous state or heterozygous state with a pathogenic ABCG5 variant in two individuals with sitosterolemia (Xia et al. 2022. PubMed ID: 34969652). This variant is reported in 0.052% of alleles in individuals of South Asian descent in gnomAD. Although we suspect that this variant may be pathogenic, at this time, the clinical significance of this variant is uncertain due to the absence of conclusive functional and genetic evidence.

Ambry Genetics
Classification: Uncertain significance for Cardiovascular phenotype. Last evaluated: 2024-04-29. Review status: criteria provided, single submitter. Criteria: Ambry Variant Classification Scheme 2023. Collection method: clinical testing. Allele origin: germline.

Blueprint Genetics
Classification: Uncertain significance. Last evaluated: 2024-02-12. Review status: criteria provided, single submitter. Criteria: ACMG Guidelines, 2015. Collection method: clinical testing. Allele origin: germline.

Labcorp Genetics (formerly Invitae), Labcorp
Classification: Uncertain significance for Sitosterolemia. Last evaluated: 2021-08-13. Review status: criteria provided, single submitter. Criteria: Invitae Variant Classification Sherloc (09022015). Collection method: clinical testing. Allele origin: germline.
Comment: This sequence change replaces threonine with arginine at codon 94 of the ABCG5 protein (p.Thr94Arg). The threonine residue is highly conserved and there is a moderate physicochemical difference between threonine and arginine. This variant is present in population databases (rs558993616, ExAC 0.05%). This variant has not been reported in the literature in individuals affected with ABCG5-related conditions. ClinVar contains an entry for this variant (Variation ID: 336053). Algorithms developed to predict the effect of missense changes on protein structure and function (SIFT, PolyPhen-2, Align-GVGD) all suggest that this variant is likely to be disruptive. In summary, the available evidence is currently insufficient to determine the role of this variant in disease. Therefore, it has been classified as a Variant of Uncertain Significance.

Illumina Laboratory Services, Illumina
Classification: Uncertain significance for Sitosterolemia 1. Last evaluated: 2018-01-12. Review status: criteria provided, single submitter. Criteria: ICSL Variant Classification Criteria 13 December 2019. Collection method: clinical testing. Allele origin: germline.

Breakthrough Genomics
Classification: Uncertain significance. Review status: criteria provided, single submitter. Criteria: ACMG Guidelines, 2015. Collection method: not provided. Allele origin: germline. Inheritance: Autosomal recessive inheritance. Affected: yes.

Amrita Institute of Medical Sciences and Research Centre, Amrita Vishwa Vidyapeetham
Classification: Uncertain significance for Sitosterolemia. Last evaluated: 2023-08-03. Review status: no assertion criteria provided. Collection method: clinical testing. Allele origin: germline. Affected: yes. Not counted in ClinVar's aggregate classification.
Comment: This variant replaces threonine with arginine at codon 94 of the ABCG5 protein (p.Thr94Arg). The threonine residue is highly conserved . Algorithms developed to predict the effect of missense changes on protein structure and function suggest that this variant is likely to be disruptive

NM_022436.3(ABCG5):c.281C>G (p.Thr94Arg)

Gene: ABCG5 (ATP binding cassette subfamily G member 5; minus strand). Cytogenetic location: 2p21.
Variant type: single nucleotide variant.
Coding change: c.281C>G on transcript NM_022436.3 (MANE Select); coding-DNA position 281, C replaced by G.
Protein change: p.Thr94Arg; replaces threonine 94 with arginine.
Molecular consequence: missense variant.
Genome position (GRCh38, 1-based): chr2:43,832,068, G>C on the plus strand (C>G on the coding strand, the complement: ABCG5 is on the minus strand). VCF-style: chr2-43832068-G-C. GRCh37 (hg19) VCF-style: chr2-44059207-G-C.
Other names: short protein forms T94R.
Identifiers: ClinVar variation 336053 (VCV000336053.17), dbSNP rs558993616, ClinGen allele CA1636717.